The following is an entry in ClinVar:

ClinVar aggregate classification (germline): Pathogenic (1 of 4 stars; one submission).

Conditions:
SLC35A2-congenital disorder of glycosylation. Also called: EPILEPTIC ENCEPHALOPATHY, EARLY INFANTILE, 22; CONGENITAL DISORDER OF GLYCOSYLATION, TYPE IIm; CDG IIm; CONGENITAL DISORDER OF GLYCOSYLATION, TYPE IIm, SOMATIC MOSAIC; DEVELOPMENTAL AND EPILEPTIC ENCEPHALOPATHY 22; SLC35A2-CDG. Identifiers: Orphanet 356961, MedGen C3806688, MONDO:0010478, OMIM 300896.

Submission:

Rady Children's Institute for Genomic Medicine, Rady Children's Hospital San Diego
Classification: Pathogenic for CONGENITAL DISORDER OF GLYCOSYLATION, TYPE IIm. Last evaluated: 2019-11-04. Review status: criteria provided, single submitter. Criteria: ACMG Guidelines, 2015. Collection method: clinical testing. Allele origin: germline. Affected: yes.
Comment: This nonsense variant found in exon 4 of 5 is predicted to result in loss of normal protein function. This variant has not been previously reported or functionally characterized in the literature to our knowledge. It is absent from the ExAC and gnomAD population databases and thus is presumed to be rare. Analysis of the parental samples was negative for the variant, indicating this variant likely occurred as a de novo event. Based on the available evidence, the c.696G>A (p.Trp232Ter) variant is classified as Pathogenic.

NM_005660.3(SLC35A2):c.696G>A (p.Trp232Ter)

Gene: SLC35A2 (solute carrier family 35 member A2; minus strand). Cytogenetic location: Xp11.23.
Variant type: single nucleotide variant.
Coding change: c.696G>A on transcript NM_005660.3 (MANE Select); coding-DNA position 696, G replaced by A.
Protein change: p.Trp232Ter; replaces tryptophan 232 with a stop codon.
Molecular consequence: nonsense. On other transcripts: intron variant (3).
Genome position (GRCh38, 1-based): chrX:48,905,213, C>T on the plus strand (G>A on the coding strand, the complement: SLC35A2 is on the minus strand). VCF-style: chrX-48905213-C-T. GRCh37 (hg19) VCF-style: chrX-48762490-C-T.
Other names: c.696G>A, p.Trp232Ter (NM_001042498.3); c.513G>A, p.Trp171Ter (NM_001282649.2); c.735G>A, p.Trp245Ter (NM_001282650.2); c.780G>A, p.Trp260Ter (NM_001282651.2); c.427-321G>A (NM_001282647.2, NM_001032289.3); c.355-321G>A (NM_001282648.2); short protein forms W171*, W232*, W245*, W260*.
Identifiers: ClinVar variation 984929 (VCV000984929.1), dbSNP rs868941656, ClinGen allele CA412895414.